The following is an entry in ClinVar:

ClinVar aggregate classification (germline): Uncertain significance (1 of 4 stars; one submission).

Submission:

CeGaT Center for Human Genetics Tuebingen
Classification: Uncertain significance. Last evaluated: 2026-08-01. Review status: criteria provided, single submitter. Criteria: CeGaT Center For Human Genetics Tuebingen Variant Classification Criteria Version 2. Collection method: clinical testing. Allele origin: germline. Affected: yes. Observed: 1 variant allele.
Comment: ABCA13: PM2

NM_152701.5(ABCA13):c.936_946del (p.Val313fs)

Gene: ABCA13 (ATP binding cassette subfamily A member 13; plus strand). Cytogenetic location: 7p12.3.
Variant type: Deletion.
Coding change: c.936_946del on transcript NM_152701.5 (MANE Select); coding-DNA positions 936 to 946, 11 bases deleted (AGTCTTGTCTA).
Protein change: p.Val313fs; shifts the reading frame from valine 313.
Molecular consequence: frameshift variant.
Genome position (GRCh38, 1-based): chr7:48,239,279-48,239,289, AGTCTTGTCTA deleted. VCF-style (leftmost placement, unchanged base first): chr7-48239278-CAGTCTTGTCTA-C. GRCh37 (hg19) VCF-style: chr7-48278875-CAGTCTTGTCTA-C.
Other names: short protein forms V313fs.
Identifiers: ClinVar variation 5040362 (VCV005040362.1).